The following is an entry in ClinVar:

NM_014252.4(SLC25A15):c.*58G>T

Gene: SLC25A15 (solute carrier family 25 member 15; plus strand). Cytogenetic location: 13q14.11.
Variant type: single nucleotide variant.
Coding change: c.*58G>T on transcript NM_014252.4 (MANE Select); 58 bases downstream of the stop codon, G replaced by T.
Molecular consequence: 3 prime UTR variant.
Genome position (GRCh38, 1-based): chr13:40,809,725, G>T. VCF-style: chr13-40809725-G-T. GRCh37 (hg19) VCF-style: chr13-41383861-G-T.
Identifiers: ClinVar variation 312184 (VCV000312184.6), dbSNP rs17090557, ClinGen allele CA10643508.

ClinVar aggregate classification (germline): Likely benign. Review status: criteria provided, multiple submitters, no conflicts (2 of 4 stars). 2 submissions from 2 submitters: Likely benign (2). Last evaluated 2018-01-12.

Conditions:
Hyperornithinemia-hyperammonemia-homocitrullinuria syndrome (HHHS). Also called: HHH SYNDROME; Ornithine translocase deficiency. Identifiers: Orphanet 415, MedGen C0268540, MONDO:0009393, OMIM 238970.

Allele frequency attached by ClinVar (database versions not stated): 1000 Genomes Project 0.00359; 1000 Genomes Project 30x 0.00359; TOPMed 0.00494; gnomAD 0.00553 and 0.00568.
gnomAD v4.1: 13,282 of 1,596,716 alleles (0.83%); highest among the groups gnomAD compares: South Asian, 1.4%; 98 homozygotes.

Submissions (2):

Illumina Laboratory Services, Illumina
Classification: Likely benign for Hyperornithinemia-hyperammonemia-homocitrullinuria syndrome. Last evaluated: 2018-01-12. Review status: criteria provided, single submitter. Criteria: ICSL Variant Classification Criteria 13 December 2019. Collection method: clinical testing. Allele origin: germline.
Comment: This variant was observed in the ICSL laboratory as part of a predisposition screen in an ostensibly healthy population. It had not been previously curated by ICSL or reported in the Human Gene Mutation Database (HGMD: prior to June 1st, 2018), and was therefore a candidate for classification through an automated scoring system. Utilizing variant allele frequency, disease prevalence and penetrance estimates, and inheritance mode, an automated score was calculated to assess if this variant is too frequent to cause the disease. Based on the score and internal cut-off values, a variant classified as likely benign is not then subjected to further curation. The score for this variant resulted in a classification of likely benign for this disease.

Breakthrough Genomics
Classification: Likely benign. Review status: criteria provided, single submitter. Criteria: ACMG Guidelines, 2015. Collection method: not provided. Allele origin: germline. Inheritance: Autosomal recessive inheritance. Affected: yes.